The following is an entry in ClinVar:

ClinVar aggregate classification (germline): Likely pathogenic (1 of 4 stars; one submission).

Conditions:
Deficiency of aromatic-L-amino-acid decarboxylase. Also called: Aromatic amino acid decarboxylase deficiency; Aromatic L-Amino Acid Decarboxylase Deficiency; AADC DEFICIENCY; DDC DEFICIENCY; DOPA DECARBOXYLASE DEFICIENCY. Identifiers: Orphanet 35708, MedGen C1291564, MONDO:0012084, OMIM 608643.

Allele frequency attached by ClinVar (database versions not stated): TOPMed below 0.00001.

Submission:

Labcorp Genetics (formerly Invitae), Labcorp
Classification: Likely pathogenic for Deficiency of aromatic-L-amino-acid decarboxylase. Last evaluated: 2017-10-27. Review status: criteria provided, single submitter. Criteria: Invitae Variant Classification Sherloc (09022015). Collection method: clinical testing. Allele origin: germline.
Comment: In summary, the currently available evidence indicates that the variant is pathogenic, but additional data are needed to prove that conclusively. Therefore, this variant has been classified as Likely Pathogenic. Donor and acceptor splice site variants typically lead to a loss of protein function (PMID: 16199547), and loss-of-function variants in DDC are known to be pathogenic (PMID: 15079002, 20505134). Algorithms developed to predict the effect of sequence changes on RNA splicing suggest that this variant may disrupt the consensus splice site, but this prediction has not been confirmed by published transcriptional studies. This variant has not been reported in the literature in individuals with DDC-related disease. This variant is not present in population databases (ExAC no frequency). This sequence change affects an acceptor splice site in intron 11 of the DDC gene. It is expected to disrupt RNA splicing and likely results in an absent or disrupted protein product.

Literature cited by the submitters: PubMed 16199547; PubMed 15079002; PubMed 20505134.

NM_001082971.2(DDC):c.1042-2A>G

Gene: DDC (dopa decarboxylase; minus strand). Cytogenetic location: 7p12.2.
Variant type: single nucleotide variant.
Coding change: c.1042-2A>G on transcript NM_001082971.2 (MANE Select); the canonical splice acceptor site of the intron before coding-DNA position 1042, A replaced by G.
Molecular consequence: splice acceptor variant.
Genome position (GRCh38, 1-based): chr7:50,470,173, T>C on the plus strand (A>G on the coding strand, the complement: DDC is on the minus strand). VCF-style: chr7-50470173-T-C. GRCh37 (hg19) VCF-style: chr7-50537871-T-C.
Other names: c.808-2A>G (NM_001242888.2); c.928-2A>G (NM_001242886.2); c.763-2A>G (NM_001242889.2); c.898-2A>G (NM_001242887.2); c.1042-2A>G (NM_000790.4).
Identifiers: ClinVar variation 581684 (VCV000581684.6), dbSNP rs1276093487, ClinGen allele CA367533894.